The following is an entry in ClinVar:

NM_020975.6(RET):c.1148G>A (p.Gly383Asp)

Gene: RET (ret proto-oncogene; plus strand). Cytogenetic location: 10q11.21.
Variant type: single nucleotide variant.
Coding change: c.1148G>A on transcript NM_020975.6 (MANE Select); coding-DNA position 1148, G replaced by A.
Protein change: p.Gly383Asp; replaces glycine 383 with aspartic acid.
Molecular consequence: missense variant.
Genome position (GRCh38, 1-based): chr10:43,109,115, G>A. VCF-style: chr10-43109115-G-A. GRCh37 (hg19) VCF-style: chr10-43604563-G-A.
Other names: c.1148G>A, p.Gly383Asp (NM_000323.2, NM_001406743.1, NM_001406744.1 and 6 more transcripts); c.386G>A, p.Gly129Asp (NM_001355216.2); c.1019G>A, p.Gly340Asp (NM_001406761.1, NM_001406762.1, NM_001406764.1 and 1 more transcripts); c.860G>A, p.Gly287Asp (NM_001406766.1, NM_001406767.1, NM_001406770.1); c.710G>A, p.Gly237Asp (NM_001406771.1, NM_001406773.1); c.422G>A, p.Gly141Asp (NM_001406775.1, NM_001406776.1, NM_001406777.1 and 1 more transcripts); c.158G>A, p.Gly53Asp (NM_001406784.1); short protein forms G287D, G237D, G383D, G53D, G129D, G141D, G340D.
Identifiers: ClinVar variation 2089401 (VCV002089401.4), dbSNP rs774139424, ClinGen allele CA031827.

ClinVar aggregate classification (germline): Uncertain significance. Review status: criteria provided, multiple submitters, no conflicts (2 of 4 stars). 2 submissions from 2 submitters: Uncertain significance (2). Last evaluated 2023-02-04.

Conditions:
Multiple endocrine neoplasia, type 2 (MEN2). Identifiers: Orphanet 653, MedGen C4048306, MONDO:0019003. Disease mechanism: gain of function.
Hereditary cancer-predisposing syndrome. Also called: Tumor predisposition; Hereditary Cancer Syndrome; Hereditary neoplastic syndrome; Neoplastic Syndromes, Hereditary. Identifiers: Orphanet 140162, MedGen C0027672, MeSH D009386, MONDO:0015356.

Allele frequency attached by ClinVar (database versions not stated): gnomAD exomes below 0.00001; ExAC 0.00001.

Submissions (2):

Ambry Genetics
Classification: Uncertain significance for Hereditary cancer-predisposing syndrome. Last evaluated: 2023-02-04. Review status: criteria provided, single submitter. Criteria: Ambry Variant Classification Scheme 2023. Collection method: clinical testing. Allele origin: germline.
Comment: The p.G383D variant (also known as c.1148G>A), located in coding exon 6 of the RET gene, results from a G to A substitution at nucleotide position 1148. The glycine at codon 383 is replaced by aspartic acid, an amino acid with similar properties. This amino acid position is conserved. In addition, this alteration is predicted to be deleterious by in silico analysis. Since supporting evidence is limited at this time, the clinical significance of this alteration remains unclear.

Labcorp Genetics (formerly Invitae), Labcorp
Classification: Uncertain significance for Multiple endocrine neoplasia, type 2. Last evaluated: 2022-01-25. Review status: criteria provided, single submitter. Criteria: Invitae Variant Classification Sherloc (09022015). Collection method: clinical testing. Allele origin: germline.
Comment: This sequence change replaces glycine, which is neutral and non-polar, with aspartic acid, which is acidic and polar, at codon 383 of the RET protein (p.Gly383Asp). In summary, the available evidence is currently insufficient to determine the role of this variant in disease. Therefore, it has been classified as a Variant of Uncertain Significance. Algorithms developed to predict the effect of missense changes on protein structure and function are either unavailable or do not agree on the potential impact of this missense change (SIFT: "Deleterious"; PolyPhen-2: "Probably Damaging"; Align-GVGD: "Class C15"). This variant has not been reported in the literature in individuals affected with RET-related conditions. This variant is present in population databases (rs774139424, gnomAD 0.006%).